The following is an entry in ClinVar:

ClinVar aggregate classification (germline): Uncertain significance (1 of 4 stars; one submission).

Conditions:
Megalencephalic leukoencephalopathy with subcortical cysts 1 (MLC1). Also called: VACUOLATING MEGALENCEPHALIC LEUKOENCEPHALOPATHY WITH SUBCORTICAL CYSTS; LEUKOENCEPHALOPATHY WITH SWELLING AND CYSTS. Identifiers: Orphanet 2478, MedGen C5779875, MONDO:0024555, OMIM 604004.

Submission:

Victorian Clinical Genetics Services, Murdoch Childrens Research Institute
Classification: Uncertain significance for Megalencephalic leukoencephalopathy with subcortical cysts 1. Last evaluated: 2020-10-19. Review status: criteria provided, single submitter. Criteria: ACMG Guidelines, 2015. Collection method: clinical testing. Allele origin: germline. Inheritance: Autosomal recessive inheritance. Affected: yes.
Comment: Based on the classification scheme VCGS_Germline_v1.3.3, this variant is classified as 3A-VUS. Following criteria are met: 0102 - Loss of function is a known mechanism of disease in this gene and is associated with megalencephalic leukoencephalopathy with subcortical cysts (MIM#604004). (I) 0106 - This gene is associated with autosomal recessive disease. (I) 0212 - Non-canonical splice site variant without proven consequence on splicing (no functional evidence available). (SP) 0252 - This variant is homozygous. (I) 0301 - Variant is absent from gnomAD (both v2 and v3). (SP) 0505 - Abnormal splicing is predicted by in silico tools and affected nucleotide is highly conserved. (SP) 0705 - No comparable splice region variants have previous evidence for pathogenicity. (I) 0807 - This variant has no previous evidence of pathogenicity. (I) 0905 - No published segregation evidence has been identified for this variant. (I) 1007 - No published functional evidence has been identified for this variant. (I) 1102 - Strong phenotype match for this individual. (SP) 1208 - Inheritance information for this variant is not currently available in this individual. (I) Legend: (SP) - Supporting pathogenic, (I) - Information, (SB) - Supporting benign

NM_015166.4(MLC1):c.714+5G>A

Gene: MLC1 (modulator of VRAC current 1; minus strand). Cytogenetic location: 22q13.33.
Variant type: single nucleotide variant.
Coding change: c.714+5G>A on transcript NM_015166.4 (MANE Select); 5 bases into the intron after coding-DNA position 714, G replaced by A.
Molecular consequence: intron variant.
Genome position (GRCh38, 1-based): chr22:50,074,211, C>T on the plus strand (G>A on the coding strand, the complement: MLC1 is on the minus strand). VCF-style: chr22-50074211-C-T. GRCh37 (hg19) VCF-style: chr22-50512640-C-T.
Other names: c.714+5G>A (NM_001376474.1, NM_001376475.1, NM_001376476.1 and 6 more transcripts); c.477+5G>A (NM_001376484.1); c.624+5G>A (NM_001376480.1); c.558+5G>A (NM_001376482.1, NM_001376483.1); c.612+5G>A (NM_001376481.1).
Identifiers: ClinVar variation 1806366 (VCV001806366.2), dbSNP rs1156404238, ClinGen allele CA1139532817.
Genomic context (GRCh38, chr22:50,074,211, plus strand): 5'-CAGCCACGCAGGATCTGAGCAGTGTGGCCCAGAGCGGCGGCGGGCGGGCCAGAGGGGTTA[C>T]TCACGGCCACTAGGATCCAAAAGAACGTCACTGAGAGGTGTGGGCCTGAAACTGAGTCAT-3'